The following is an entry in ClinVar:

NM_000834.5(GRIN2B):c.244A>G (p.Ile82Val)

Gene: GRIN2B (glutamate ionotropic receptor NMDA type subunit 2B; minus strand). Cytogenetic location: 12p13.1.
Variant type: single nucleotide variant.
Coding change: c.244A>G on transcript NM_000834.5 (MANE Select); coding-DNA position 244, A replaced by G.
Protein change: p.Ile82Val; replaces isoleucine 82 with valine.
Molecular consequence: missense variant.
Genome position (GRCh38, 1-based): chr12:13,865,965, T>C on the plus strand (A>G on the coding strand, the complement: GRIN2B is on the minus strand). VCF-style: chr12-13865965-T-C. GRCh37 (hg19) VCF-style: chr12-14018899-T-C.
Other names: c.244A>G, p.Ile82Val (NM_001413992.1, NM_001413993.1, NM_001413994.1 and 1 more transcripts); short protein forms I82V.
Identifiers: ClinVar variation 2076159 (VCV002076159.4), dbSNP rs2497983504, ClinGen allele CA384054265.
Genomic context (GRCh38, chr12:13,865,965, plus strand): 5'-CATCAGCAAACACCACCCCCTGGATCTTCCGGTCAGACATGAGATCACAGATGCGGGTGA[T>C]GATGCTCTTTGGGTCGGTCTCATTCATGGCTACCAGTTCCACCCGGGGTACCACGGAGAG-3'
Protein context (NP_000825.2, residues 72-92): AMNETDPKSI[Ile82Val]TRICDLMSDR

ClinVar aggregate classification (germline): Uncertain significance (1 of 4 stars; one submission).

Conditions:
Developmental and epileptic encephalopathy, 27 (DEE27). Also called: GRIN2B-Related Neurodevelopmental Disorder; Epileptic encephalopathy, early infantile, 27. Identifiers: Orphanet 3451, MedGen C4015316, MONDO:0014505, OMIM 616139.
Intellectual developmental disorder, autosomal dominant 6, with or without seizures. Also called: Intellectual disability, autosomal dominant 6; GRIN2B-related developmental delay, intellectual disability and autism spectrum disorder. Identifiers: Orphanet 589547, MedGen C3151411, MONDO:0013509, OMIM 613970.

Allele frequency attached by ClinVar (database versions not stated): gnomAD exomes 0.00001.
gnomAD v4.1: 8 of 1,614,050 alleles (0.0005%); highest among the groups gnomAD compares: Non-Finnish European, 0.00068%; no homozygotes.

Submission:

Labcorp Genetics (formerly Invitae), Labcorp
Classification: Uncertain significance for Developmental and epileptic encephalopathy, 27; Intellectual developmental disorder, autosomal dominant 6, with or without seizures. Last evaluated: 2022-10-26. Review status: criteria provided, single submitter. Criteria: Invitae Variant Classification Sherloc (09022015). Collection method: clinical testing. Allele origin: germline.
Comment: This sequence change replaces isoleucine, which is neutral and non-polar, with valine, which is neutral and non-polar, at codon 82 of the GRIN2B protein (p.Ile82Val). This variant is not present in population databases (gnomAD no frequency). This variant has not been reported in the literature in individuals affected with GRIN2B-related conditions. Advanced modeling of protein sequence and biophysical properties (such as structural, functional, and spatial information, amino acid conservation, physicochemical variation, residue mobility, and thermodynamic stability) performed at Invitae indicates that this missense variant is not expected to disrupt GRIN2B protein function. In summary, the available evidence is currently insufficient to determine the role of this variant in disease. Therefore, it has been classified as a Variant of Uncertain Significance.